The following is an entry in ClinVar:

ClinVar aggregate classification (germline): Likely pathogenic (1 of 4 stars; one submission).

Conditions:
Dystonia 5 (DRD). Also called: Dystonia, DOPA-responsive, with or without hyperphenylalaninemia; DYSTONIA, PROGRESSIVE, WITH DIURNAL VARIATION; DYSTONIA-PARKINSONISM WITH DIURNAL FLUCTUATION; DYT-GCH1; GTP Cyclohydrolase 1-Deficient Dopa-Responsive Dystonia. Identifiers: Orphanet 98808, MedGen C1851920, MONDO:0007495, OMIM 128230.
GTP cyclohydrolase I deficiency. Identifiers: MedGen C0268467, MONDO:0100184.

Submission:

Labcorp Genetics (formerly Invitae), Labcorp
Classification: Likely pathogenic for GTP cyclohydrolase I deficiency; Dystonia 5. Last evaluated: 2021-09-16. Review status: criteria provided, single submitter. Criteria: Invitae Variant Classification Sherloc (09022015). Collection method: clinical testing. Allele origin: germline.
Comment: This sequence change replaces glutamic acid with glycine at codon 84 of the GCH1 protein (p.Glu84Gly). The glutamic acid residue is highly conserved and there is a moderate physicochemical difference between glutamic acid and glycine. This variant is not present in population databases (ExAC no frequency). This variant has been observed in individual(s) with autosomal dominant dopa-responsive dystonia (Invitae). It has also been observed to segregate with disease in related individuals. ClinVar contains an entry for this variant (Variation ID: 640711). Advanced modeling of protein sequence and biophysical properties (such as structural, functional, and spatial information, amino acid conservation, physicochemical variation, residue mobility, and thermodynamic stability) performed at Invitae indicates that this missense variant is expected to disrupt GCH1 protein function. This variant disrupts the p.Glu84 amino acid residue in GCH1. Other variant(s) that disrupt this residue have been observed in individuals with GCH1-related conditions (Invitae), which suggests that this may be a clinically significant amino acid residue. In summary, the currently available evidence indicates that the variant is pathogenic, but additional data are needed to prove that conclusively. Therefore, this variant has been classified as Likely Pathogenic.

NM_000161.3(GCH1):c.251A>G (p.Glu84Gly)

Gene: GCH1 (GTP cyclohydrolase 1; minus strand). Cytogenetic location: 14q22.2.
Variant type: single nucleotide variant.
Coding change: c.251A>G on transcript NM_000161.3 (MANE Select); coding-DNA position 251, A replaced by G.
Protein change: p.Glu84Gly; replaces glutamic acid 84 with glycine.
Molecular consequence: missense variant.
Genome position (GRCh38, 1-based): chr14:54,902,413, T>C on the plus strand (A>G on the coding strand, the complement: GCH1 is on the minus strand). VCF-style: chr14-54902413-T-C. GRCh37 (hg19) VCF-style: chr14-55369131-T-C.
Other names: c.251A>G, p.Glu84Gly (NM_001024024.2, NM_001024070.2, NM_001024071.2); short protein forms E84G.
Identifiers: ClinVar variation 640711 (VCV000640711.8), dbSNP rs1595031209, ClinGen allele CA389793793.
Genomic context (GRCh38, chr14:54,902,413, plus strand): 5'-AACTGCATGGCCGAGGCCGCCCTCCAGGGCGTCTTGAGCAGCCCTTGCCGCTGGGGGTTC[T>C]CGCCCAGCGAGCTCAGGATGGACGAGTAGGCGGCTGCCAGGTTAGGGAGGTTCAGCTCGT-3'
Protein context (NP_000152.1, residues 74-94): AYSSILSSLG[Glu84Gly]NPQRQGLLKT